The following is an entry in ClinVar:

NM_003742.4(ABCB11):c.3695C>A (p.Ala1232Asp)

Gene: ABCB11 (ATP binding cassette subfamily B member 11; minus strand). Cytogenetic location: 2q31.1.
Variant type: single nucleotide variant.
Coding change: c.3695C>A on transcript NM_003742.4 (MANE Select); coding-DNA position 3695, C replaced by A.
Protein change: p.Ala1232Asp; replaces alanine 1232 with aspartic acid.
Molecular consequence: missense variant.
Genome position (GRCh38, 1-based): chr2:168,924,727, G>T on the plus strand (C>A on the coding strand, the complement: ABCB11 is on the minus strand). VCF-style: chr2-168924727-G-T. GRCh37 (hg19) VCF-style: chr2-169781237-G-T.
Other names: short protein forms A1232D.
Identifiers: ClinVar variation 3251695 (VCV003251695.3), dbSNP rs2545228642.
Genomic context (GRCh38, chr2:168,924,727, plus strand): 5'-TCTGTGTCTAAGGCAGAAGTGGCTTCATCTAGTAGCAAGATTTTAGGATCTCGTACAATG[G>T]CCCGAGCAATAGCAATGCGTTGTTTCTCCCCTCTAGAGAGTTGAGACCCCTGGGACCCAA-3'
Protein context (NP_003733.2, residues 1222-1242): GEKQRIAIAR[Ala1232Asp]IVRDPKILLL

ClinVar aggregate classification (germline): Conflicting classifications of pathogenicity. Review status: criteria provided, conflicting classifications (1 of 4 stars). 3 submissions from 3 submitters: Likely pathogenic (1); Uncertain significance (2). Last evaluated 2026-04-14.

Conditions:
Familial intrahepatic cholestasis. Identifiers: Orphanet 284385, MedGen CN296401, MONDO:0017290.
Progressive familial intrahepatic cholestasis type 2. Identifiers: Orphanet 79304, MedGen C3489789, MONDO:0011156, OMIM 601847.
Benign recurrent intrahepatic cholestasis type 2 (BRIC2). Also called: Recurrent familial intrahepatic cholestasis 2. Identifiers: Orphanet 65682, Orphanet 99961, MedGen C2608083, MONDO:0011559, OMIM 605479.

Submissions (3):

Genomenon, Inc
Classification: Uncertain significance for Familial intrahepatic cholestasis. Last evaluated: 2026-04-14. Review status: criteria provided, single submitter. Criteria: Genomenon Sequence Variant Interpretation Standards - Updated. Collection method: curation. Allele origin: germline. Affected: yes.
Comment: ABCB11 p.Ala1232Asp (c.3695C>A) is a missense variant that changes the amino acid at residue 1232 from Alanine to Aspartic acid. This variant has been observed in at least one proband with an ABCB11-related disorder (PMID:25847299). It is absent or not present at a significant frequency in gnomAD. In silico models predict that this variant is possibly or probably damaging. In conclusion, we classify ABCB11 p.Ala1232Asp (c.3695C>A) as a variant of uncertain significance.

Fulgent Genetics
Classification: Likely pathogenic for Progressive familial intrahepatic cholestasis type 2; Benign recurrent intrahepatic cholestasis type 2. Last evaluated: 2024-05-02. Review status: criteria provided, single submitter. Criteria: ACMG Guidelines, 2015. Collection method: clinical testing. Allele origin: germline.

Women's Health and Genetics/Laboratory Corporation of America, LabCorp
Classification: Uncertain significance. Last evaluated: 2024-04-30. Review status: criteria provided, single submitter. Criteria: LabCorp Variant Classification Summary - May 2015. Collection method: clinical testing. Allele origin: germline.
Comment: Variant summary: ABCB11 c.3695C>A (p.Ala1232Asp) results in a non-conservative amino acid change located in the ABC transporter-like, ATP-binding domain (IPR003439) of the encoded protein sequence. Five of five in-silico tools predict a damaging effect of the variant on protein function. The variant was absent in 249282 control chromosomes. c.3695C>A has been reported in the literature in at least one homozygous individual affected with Familial Intrahepatic Cholestasis type 2 (e.g. Varma_2015). These data indicate that the variant may be associated with disease. To our knowledge, no experimental evidence demonstrating an impact on protein function has been reported. The following publication has been ascertained in the context of this evaluation (PMID: 25847299). No submitters have cited clinical-significance assessments for this variant to ClinVar. Based on the evidence outlined above, the variant was classified as VUS-possibly pathogenic.

Literature cited by the submitters: PubMed 25847299 (cited by Genomenon, Inc and Women's Health and Genetics/Laboratory Corporation of America, LabCorp).